The following is an entry in ClinVar:

ClinVar aggregate classification (germline): Likely benign (0 of 4 stars; one submission).

Conditions:
ACSS2-related disorder. Also called: ACSS2-related condition.

Allele frequency attached by ClinVar (database versions not stated): gnomAD 0.00011; TOPMed 0.00014; 1000 Genomes Project 0.00060; 1000 Genomes Project 30x 0.00062.
gnomAD v4.1: 269 of 1,614,204 alleles (0.017%); highest among the groups gnomAD compares: East Asian, 0.49%; 2 homozygotes.

Submission:

PreventionGenetics, part of Exact Sciences
Classification: Likely benign for ACSS2-related condition. Last evaluated: 2019-11-04. Review status: no assertion criteria provided. Collection method: clinical testing. Allele origin: germline.
Comment: This variant is classified as likely benign based on ACMG/AMP sequence variant interpretation guidelines (Richards et al. 2015 PMID: 25741868, with internal and published modifications).

NM_018677.4(ACSS2):c.1458C>T (p.Pro486=)

Genes: ACSS2 (acyl-CoA synthetase short chain family member 2; plus strand), LOC126863018 (CDK7 strongly-dependent group 2 enhancer GRCh37_chr20:33508643-33509842; plus strand). Cytogenetic location: 20q11.22.
Variant type: single nucleotide variant.
Coding change: c.1458C>T on transcript NM_018677.4 (MANE Select); coding-DNA position 1458, C replaced by T.
Protein change: p.Pro486=; no amino-acid change (proline 486 retained).
Molecular consequence: synonymous variant.
Genome position (GRCh38, 1-based): chr20:34,921,591, C>T. VCF-style: chr20-34921591-C-T. GRCh37 (hg19) VCF-style: chr20-33509394-C-T.
Other names: c.1497C>T, p.Pro499= (NM_001076552.3); c.1173C>T, p.Pro391= (NM_001242393.2).
Identifiers: ClinVar variation 3053292 (VCV003053292.2), dbSNP rs58314413, ClinGen allele CA9825583.